The following is an entry in ClinVar:

ClinVar aggregate classification (germline): Uncertain significance (1 of 4 stars; one submission).

Conditions:
Muscular dystrophy-dystroglycanopathy type B6 (MDDGB6). Also called: MUSCULAR DYSTROPHY-DYSTROGLYCANOPATHY (CONGENITAL WITH IMPAIRED INTELLECTUAL DEVELOPMENT), TYPE B, 6; MUSCULAR DYSTROPHY, CONGENITAL, LARGE-RELATED; MUSCULAR DYSTROPHY, CONGENITAL, TYPE 1D. Identifiers: MedGen C1837229, MONDO:0012138, OMIM 608840.

Allele frequency attached by ClinVar (database versions not stated): gnomAD exomes below 0.00001; ExAC 0.00001.
gnomAD v4.1: 4 of 1,614,030 alleles (0.00025%); highest among the groups gnomAD compares: South Asian, 0.0044%; no homozygotes.

Submission:

Labcorp Genetics (formerly Invitae), Labcorp
Classification: Uncertain significance for Muscular dystrophy-dystroglycanopathy type B6. Last evaluated: 2023-11-19. Review status: criteria provided, single submitter. Criteria: Invitae Variant Classification Sherloc (09022015). Collection method: clinical testing. Allele origin: germline.
Comment: This sequence change falls in intron 4 of the LARGE1 gene. It does not directly change the encoded amino acid sequence of the LARGE1 protein. It affects a nucleotide within the consensus splice site. This variant is present in population databases (rs770841204, gnomAD 0.006%). This variant has not been reported in the literature in individuals affected with LARGE1-related conditions. Variants that disrupt the consensus splice site are a relatively common cause of aberrant splicing (PMID: 17576681, 9536098). Algorithms developed to predict the effect of sequence changes on RNA splicing suggest that this variant is not likely to affect RNA splicing. In summary, the available evidence is currently insufficient to determine the role of this variant in disease. Therefore, it has been classified as a Variant of Uncertain Significance.

Literature cited by the submitters: PubMed 17576681; PubMed 9536098.

NM_133642.5(LARGE1):c.408+5A>G

Gene: LARGE1 (LARGE xylosyl- and glucuronyltransferase 1; minus strand). Cytogenetic location: 22q12.3.
Variant type: single nucleotide variant.
Coding change: c.408+5A>G on transcript NM_133642.5 (MANE Select); 5 bases into the intron after coding-DNA position 408, A replaced by G.
Molecular consequence: intron variant.
Genome position (GRCh38, 1-based): chr22:33,650,362, T>C on the plus strand (A>G on the coding strand, the complement: LARGE1 is on the minus strand). VCF-style: chr22-33650362-T-C. GRCh37 (hg19) VCF-style: chr22-34046348-T-C.
Other names: c.408+5A>G (NM_001362953.2, NM_001362949.2, NM_001378627.1 and 7 more transcripts).
Identifiers: ClinVar variation 3019540 (VCV003019540.1), dbSNP rs770841204, ClinGen allele CA10203074.